The following is an entry in ClinVar:

ClinVar aggregate classification (germline): Uncertain significance (1 of 4 stars; one submission).

Conditions:
Autosomal recessive limb-girdle muscular dystrophy type 2W (MDRCMTT). Also called: Muscular dystrophy, limb-girdle, type 2W; Muscular dystrophy, autosomal recessive, with cardiomyopathy and triangular tongue. Identifiers: MedGen C4225192, MONDO:0014788, OMIM 616827.

Submission:

Labcorp Genetics (formerly Invitae), Labcorp
Classification: Uncertain significance for Autosomal recessive limb-girdle muscular dystrophy type 2W. Last evaluated: 2022-02-08. Review status: criteria provided, single submitter. Criteria: Invitae Variant Classification Sherloc (09022015). Collection method: clinical testing. Allele origin: germline.
Comment: In summary, the available evidence is currently insufficient to determine the role of this variant in disease. Therefore, it has been classified as a Variant of Uncertain Significance. This variant has not been reported in the literature in individuals affected with LIMS2-related conditions. This variant is not present in population databases (gnomAD no frequency). This sequence change results in a frameshift in the LIMS2 gene (p.Arg351Alafs*147). While this is not anticipated to result in nonsense mediated decay, it is expected to disrupt the last 13 amino acid(s) of the LIMS2 protein and extend the protein by 133 additional amino acid residues.

NM_001161403.3(LIMS2):c.985del (p.Arg329fs)

Gene: LIMS2 (LIM zinc finger domain containing 2; minus strand). Cytogenetic location: 2q14.3.
Variant type: Deletion.
Coding change: c.985del on transcript NM_001161403.3 (MANE Select); coding-DNA position 985, one base deleted (C; older notation c.985delC).
Protein change: p.Arg329fs; shifts the reading frame from arginine 329.
Molecular consequence: frameshift variant.
Genome position (GRCh38, 1-based): chr2:127,639,322, G deleted on the plus strand (C on the coding strand, the reverse complement: LIMS2 is on the minus strand); the first of 3 consecutive G bases (chr2:127,639,322-127,639,324); deleting any one gives the same sequence. VCF-style (leftmost placement, unchanged base first): chr2-127639321-CG-C. GRCh37 (hg19) VCF-style: chr2-128396896-CG-C.
Other names: c.1051del, p.Arg351fs (NM_001136037.4); c.970del, p.Arg324fs (NM_001161404.2); c.527delC, p.Arg177Alafs (NM_001161405.1); c.529del, p.Arg177fs (NM_001256542.2); c.1057del, p.Arg353fs (NM_017980.5); short protein forms R324fs, R177fs, R353fs, R351fs, R329fs.
Identifiers: ClinVar variation 2094899 (VCV002094899.4), dbSNP rs2468799667, ClinGen allele CA2580063800.